The following is an entry in ClinVar:

NM_000059.4(BRCA2):c.8461ATT[1] (p.Ile2822del)

Gene: BRCA2 (BRCA2 DNA repair associated; plus strand). Cytogenetic location: 13q13.1.
Variant type: Microsatellite.
Coding change: c.8461ATT[1] on transcript NM_000059.4 (MANE Select); one copy of the 3-base unit ATT starting at c.8461; the reference has two copies in a row; one copy, 3 bases deleted.
Protein change: p.Ile2822del; deletes isoleucine 2822.
Molecular consequence: inframe deletion.
Genome position (GRCh38, 1-based): chr13:32,370,534-32,370,536, ATT deleted; deleting any 3 consecutive bases within chr13:32,370,531-32,370,536 gives the same sequence; the position shown is the placement nearest the transcript's 3' end. VCF-style (leftmost placement, unchanged base first): chr13-32370530-AATT-A. GRCh37 (hg19) VCF-style: chr13-32944667-AATT-A.
Other names: c.8464_8466delATT (NM_000059.3); short protein forms I2822del.
Identifiers: ClinVar variation 141072 (VCV000141072.11), dbSNP rs587781473, ClinGen allele CA025657.

ClinVar aggregate classification (germline): Uncertain significance. Review status: criteria provided, multiple submitters, no conflicts (2 of 4 stars). 2 submissions from 2 submitters: Uncertain significance (2). Last evaluated 2023-02-14.

Conditions:
Hereditary cancer-predisposing syndrome. Also called: Neoplastic Syndromes, Hereditary; Tumor predisposition; Hereditary Cancer Syndrome; Hereditary neoplastic syndrome. Identifiers: Orphanet 140162, MedGen C0027672, MeSH D009386, MONDO:0015356.
Hereditary breast ovarian cancer syndrome. Also called: Breast and ovarian cancer; Hereditary breast and ovarian cancer; Hereditary breast and/or ovarian cancer syndrome; BRCA1- and BRCA2-Associated Hereditary Breast and Ovarian Cancer; Hereditary breast and ovarian cancer syndrome; Hereditary breast and ovarian cancer syndrome (HBOC). Identifiers: Orphanet 145, MedGen C0677776, MeSH D061325, MONDO:0003582. Disease mechanism: loss of function.

Submissions (2):

Labcorp Genetics (formerly Invitae), Labcorp
Classification: Uncertain significance for Hereditary breast ovarian cancer syndrome. Last evaluated: 2023-02-14. Review status: criteria provided, single submitter. Criteria: Invitae Variant Classification Sherloc (09022015). Collection method: clinical testing. Allele origin: germline.
Comment: This variant, c.8464_8466del, results in the deletion of 1 amino acid(s) of the BRCA2 protein (p.Ile2822del), but otherwise preserves the integrity of the reading frame. This variant is not present in population databases (gnomAD no frequency). This variant has not been reported in the literature in individuals affected with BRCA2-related conditions. ClinVar contains an entry for this variant (Variation ID: 141072). Experimental studies and prediction algorithms are not available or were not evaluated, and the functional significance of this variant is currently unknown. In summary, the available evidence is currently insufficient to determine the role of this variant in disease. Therefore, it has been classified as a Variant of Uncertain Significance.

Ambry Genetics
Classification: Uncertain significance for Hereditary cancer-predisposing syndrome. Last evaluated: 2015-10-21. Review status: criteria provided, single submitter. Criteria: Ambry Variant Classification Scheme 2023. Collection method: clinical testing. Allele origin: germline.
Comment: The c.8464_8466delATT variant (also known as p.I2822DEL) is located in coding exon 18 of the BRCA2 gene. This variant results from an in-frame deletion of 3 nucleotides (ATT) between positions 8464 and 8466 causing the removal of an isoleucine residue at codon 2822. This variant was not reported in population based cohorts in the following databases: Database of Single Nucleotide Polymorphisms (dbSNP), NHLBI Exome Sequencing Project (ESP), and 1000 Genomes Project. In the ESP, this variant was not observed in 6503 samples (13006 alleles) with coverage at this position. To date, this alteration has been detected with an allele frequency of approximately 0.001% (greater than 150000 alleles tested) in our clinical cohort. This amino acid position is poorly conserved in available vertebrate species. Since supporting evidence is limited at this time, the clinical significance of c.8464_8466delATT remains unclear.